The following is an entry in ClinVar:

NM_000444.6(PHEX):c.305G>T (p.Gly102Val)

Gene: PHEX (phosphate regulating endopeptidase X-linked; plus strand). Cytogenetic location: Xp22.11.
Variant type: single nucleotide variant.
Coding change: c.305G>T on transcript NM_000444.6 (MANE Select); coding-DNA position 305, G replaced by T.
Protein change: p.Gly102Val; replaces glycine 102 with valine.
Molecular consequence: missense variant.
Genome position (GRCh38, 1-based): chrX:22,047,167, G>T. VCF-style: chrX-22047167-G-T. GRCh37 (hg19) VCF-style: chrX-22065285-G-T.
Other names: c.305G>T, p.Gly102Val (NM_001282754.2); short protein forms G102V.
Identifiers: ClinVar variation 1686025 (VCV001686025.4), dbSNP rs2146987874, ClinGen allele CA412567754.
Genomic context (GRCh38, chrX:22,047,167, plus strand): 5'-GGTTCGCTTGTGATGGCTGGATAAGCAATAATCCAATTCCCGAAGATATGCCAAGCTATG[G>T]GGTTTATCCTTGGCTGAGACATAATGTTGACCTCAAGTTGAAGGGTAAGTTTCTACTGGG-3'
Protein context (NP_000435.3, residues 92-112): NPIPEDMPSY[Gly102Val]VYPWLRHNVD

ClinVar aggregate classification (germline): Pathogenic. Review status: criteria provided, multiple submitters, no conflicts (2 of 4 stars). 2 submissions from 2 submitters: Pathogenic (2). Last evaluated 2023-10-17.

Conditions:
Familial X-linked hypophosphatemic vitamin D refractory rickets (XLHRD). Also called: Hypophosphatemic Rickets, X-Linked Dominant; X-Linked Hypophosphatemia; HYPOPHOSPHATEMIC VITAMIN D-RESISTANT RICKETS; Hypophosphatemia, vitamin D-resistant rickets; Vitamin D-resistant rickets, X-linked. Identifiers: Orphanet 89936, MedGen C0733682, MONDO:0010619, OMIM 307800.

Submissions (2):

Labcorp Genetics (formerly Invitae), Labcorp
Classification: Pathogenic. Last evaluated: 2023-10-17. Review status: criteria provided, single submitter. Criteria: Invitae Variant Classification Sherloc (09022015). Collection method: clinical testing. Allele origin: germline.
Comment: This sequence change replaces glycine, which is neutral and non-polar, with valine, which is neutral and non-polar, at codon 102 of the PHEX protein (p.Gly102Val). This variant is not present in population databases (gnomAD no frequency). This missense change has been observed in individual(s) with clinical features of hypophosphatemic rickets (Invitae). ClinVar contains an entry for this variant (Variation ID: 1686025). Advanced modeling of protein sequence and biophysical properties (such as structural, functional, and spatial information, amino acid conservation, physicochemical variation, residue mobility, and thermodynamic stability) performed at Invitae indicates that this missense variant is expected to disrupt PHEX protein function. This variant disrupts the p.Gly102 amino acid residue in PHEX. Other variant(s) that disrupt this residue have been determined to be pathogenic (PMID: 27840894, 30682568). This suggests that this residue is clinically significant, and that variants that disrupt this residue are likely to be disease-causing. For these reasons, this variant has been classified as Pathogenic.

Mendelics
Classification: Pathogenic for Familial X-linked hypophosphatemic vitamin D refractory rickets. Last evaluated: 2022-05-04. Review status: criteria provided, single submitter. Criteria: Mendelics Assertion Criteria 2019. Collection method: clinical testing. Allele origin: germline.

Literature cited by the submitters: PubMed 27840894 (cited by Labcorp Genetics (formerly Invitae), Labcorp); PubMed 30682568 (cited by Labcorp Genetics (formerly Invitae), Labcorp).